The following is an entry in ClinVar:

NM_001376571.1(MADD):c.1205A>G (p.Asn402Ser)

Gene: MADD (MAP kinase activating death domain; plus strand). Cytogenetic location: 11p11.2.
Variant type: single nucleotide variant.
Coding change: c.1205A>G on transcript NM_001376571.1 (MANE Select); coding-DNA position 1205, A replaced by G.
Protein change: p.Asn402Ser; replaces asparagine 402 with serine.
Molecular consequence: missense variant. On other transcripts: non-coding transcript variant (8).
Genome position (GRCh38, 1-based): chr11:47,278,274, A>G. VCF-style: chr11-47278274-A-G. GRCh37 (hg19) VCF-style: chr11-47299825-A-G.
Other names: c.1205A>G, p.Asn402Ser (NM_001135943.2, NM_001135944.2, NM_001376572.1 and 80 more transcripts); c.1001A>G, p.Asn334Ser (NM_001376620.1, NM_001376626.1, NM_001376627.1 and 9 more transcripts); c.539A>G, p.Asn180Ser (NM_001376663.1); short protein forms N334S, N402S, N180S.
Identifiers: ClinVar variation 1383781 (VCV001383781.2), dbSNP rs981478499, ClinGen allele CA221687191.
Genomic context (GRCh38, chr11:47,278,274, plus strand): 5'-TCCTCTACAAACTGGACTTCAAAATGCCTGATGATGTATGGCTAGTGGATCTGGACAGCA[A>G]TAGGGTGAGGTTCTTGGCTGAGGCATTGTAGAGTCTAGAGGAGGATTGCATTCTAGACCC-3'
Protein context (NP_001363500.1, residues 392-412): DDVWLVDLDS[Asn402Ser]RVIAPTNAEV

ClinVar aggregate classification (germline): Uncertain significance (1 of 4 stars; one submission).

Allele frequency attached by ClinVar (database versions not stated): gnomAD exomes below 0.00001; TOPMed below 0.00001.
gnomAD v4.1: 3 of 1,610,824 alleles (0.00019%); highest among the groups gnomAD compares: Admixed American, 0.0017%; no homozygotes.

Submission:

Labcorp Genetics (formerly Invitae), Labcorp
Classification: Uncertain significance. Last evaluated: 2021-09-29. Review status: criteria provided, single submitter. Criteria: Invitae Variant Classification Sherloc (09022015). Collection method: clinical testing. Allele origin: germline.
Comment: This sequence change replaces asparagine with serine at codon 402 of the MADD protein (p.Asn402Ser). The asparagine residue is highly conserved and there is a small physicochemical difference between asparagine and serine. This variant is not present in population databases (ExAC no frequency). This variant has not been reported in the literature in individuals affected with MADD-related conditions. Algorithms developed to predict the effect of missense changes on protein structure and function output the following: SIFT: "Tolerated"; PolyPhen-2: "Benign"; Align-GVGD: "Class C0". The serine amino acid residue is found in multiple mammalian species, which suggests that this missense change does not adversely affect protein function. In summary, the available evidence is currently insufficient to determine the role of this variant in disease. Therefore, it has been classified as a Variant of Uncertain Significance.